The following is an entry in ClinVar:

NM_020877.5(DNAH2):c.10624G>A (p.Ala3542Thr)

Gene: DNAH2 (dynein axonemal heavy chain 2; plus strand). Cytogenetic location: 17p13.1.
Variant type: single nucleotide variant.
Coding change: c.10624G>A on transcript NM_020877.5 (MANE Select); coding-DNA position 10624, G replaced by A.
Protein change: p.Ala3542Thr; replaces alanine 3542 with threonine.
Molecular consequence: missense variant.
Genome position (GRCh38, 1-based): chr17:7,818,730, G>A. VCF-style: chr17-7818730-G-A. GRCh37 (hg19) VCF-style: chr17-7722048-G-A.
Other names: short protein forms A3542T.
Identifiers: ClinVar variation 3056354 (VCV003056354.2), dbSNP rs61743907, ClinGen allele CA8359177.
Genomic context (GRCh38, chr17:7,818,730, plus strand): 5'-GTGGTGCGGAAGGAGCGGCCTGAGCTGGAGGAGCAGAAGGACTCACTGGTCATCAACATC[G>A]CGGCTGGTAAAAGGAAGCTCAAGGAGCTGGAGGATGAGATCCTGCGGTGAGGCCCTGCCT-3'
Protein context (NP_065928.2, residues 3532-3552): EQKDSLVINI[Ala3542Thr]AGKRKLKELE

ClinVar aggregate classification (germline): Benign (0 of 4 stars; one submission).

Conditions:
DNAH2-related disorder. Also called: DNAH2-related condition.

Allele frequency attached by ClinVar (database versions not stated): gnomAD exomes 0.00100; ExAC 0.00301; gnomAD 0.00953; 1000 Genomes Project 0.01038; TOPMed 0.01059; ESP Exome Variant Server 0.01123; 1000 Genomes Project 30x 0.01140.

Submission:

PreventionGenetics, part of Exact Sciences
Classification: Benign for DNAH2-related condition. Last evaluated: 2019-07-11. Review status: no assertion criteria provided. Collection method: clinical testing. Allele origin: germline.
Comment: This variant is classified as benign based on ACMG/AMP sequence variant interpretation guidelines (Richards et al. 2015 PMID: 25741868, with internal and published modifications).